The following is an entry in ClinVar:

NM_004006.3(DMD):c.10433G>C (p.Ser3478Thr)

Gene: DMD (dystrophin; minus strand). Cytogenetic location: Xp21.2.
Variant type: single nucleotide variant.
Coding change: c.10433G>C on transcript NM_004006.3 (MANE Select); coding-DNA position 10433, G replaced by C.
Protein change: p.Ser3478Thr; replaces serine 3478 with threonine.
Molecular consequence: missense variant. On other transcripts: intron variant (2).
Genome position (GRCh38, 1-based): chrX:31,169,563, C>G on the plus strand (G>C on the coding strand, the complement: DMD is on the minus strand). VCF-style: chrX-31169563-C-G. GRCh37 (hg19) VCF-style: chrX-31187680-C-G.
Other names: c.10409G>C, p.Ser3470Thr (NM_000109.4); c.10421G>C, p.Ser3474Thr (NM_004009.3); c.10064G>C, p.Ser3355Thr (NM_004010.3); c.6410G>C, p.Ser2137Thr (NM_004011.4); c.6401G>C, p.Ser2134Thr (NM_004012.4); c.3053G>C, p.Ser1018Thr (NM_004013.3, NM_004021.3); c.2246G>C, p.Ser749Thr (NM_004014.3); c.1229G>C, p.Ser410Thr (NM_004015.3, NM_004016.3); and 3 more; short protein forms S3355T, S3470T, S3478T, S397T, S749T, S2134T, S3474T, S1018T.
Identifiers: ClinVar variation 3634787 (VCV003634787.2).
Genomic context (GRCh38, chrX:31,169,563, plus strand): 5'-AAGGAAATCAAGATCTGGGCAGGACTACGAGGCTGGCTCAGGGGGGAGTCCTGGTTCAAA[C>G]TTTGGCAGTAATGCTGGATTAACAAATGTTCATCATCTCTGGAAAATAAAATCAAAGGTT-3'
Protein context (NP_003997.2, residues 3468-3488): EHLLIQHYCQ[Ser3478Thr]LNQDSPLSQP

ClinVar aggregate classification (germline): Uncertain significance (1 of 4 stars; one submission).

Conditions:
Duchenne muscular dystrophy (DMD). Also called: MUSCULAR DYSTROPHY, PSEUDOHYPERTROPHIC PROGRESSIVE, DUCHENNE TYPE; Duchenne Muscular Dystrophy (DMD). Identifiers: Orphanet 98896, MedGen C0013264, MONDO:0010679, OMIM 310200.

gnomAD v4.1: 1 of 1,207,296 alleles (0.000083%); highest among the groups gnomAD compares: Non-Finnish European, 0.00011%; no homozygotes.

Submission:

Labcorp Genetics (formerly Invitae), Labcorp
Classification: Uncertain significance for Duchenne muscular dystrophy. Last evaluated: 2024-08-28. Review status: criteria provided, single submitter. Criteria: Invitae Variant Classification Sherloc (09022015). Collection method: clinical testing. Allele origin: germline.
Comment: This sequence change replaces serine, which is neutral and polar, with threonine, which is neutral and polar, at codon 3478 of the DMD protein (p.Ser3478Thr). This variant is not present in population databases (gnomAD no frequency). This variant has not been reported in the literature in individuals affected with DMD-related conditions. Invitae Evidence Modeling of protein sequence and biophysical properties (such as structural, functional, and spatial information, amino acid conservation, physicochemical variation, residue mobility, and thermodynamic stability) indicates that this missense variant is not expected to disrupt DMD protein function with a negative predictive value of 95%. In summary, the available evidence is currently insufficient to determine the role of this variant in disease. Therefore, it has been classified as a Variant of Uncertain Significance.